The following is an entry in ClinVar:

NM_000088.4(COL1A1):c.2559+1G>A

Gene: COL1A1 (collagen type I alpha 1 chain; minus strand). Cytogenetic location: 17q21.33.
Variant type: single nucleotide variant.
Coding change: c.2559+1G>A on transcript NM_000088.4 (MANE Select); the canonical splice donor site of the intron after coding-DNA position 2559, G replaced by A.
Molecular consequence: splice donor variant.
Genome position (GRCh38, 1-based): chr17:50,190,000, C>T on the plus strand (G>A on the coding strand, the complement: COL1A1 is on the minus strand). VCF-style: chr17-50190000-C-T. GRCh37 (hg19) VCF-style: chr17-48267361-C-T.
Identifiers: ClinVar variation 2138071 (VCV002138071.5), dbSNP rs2509188024, ClinGen allele CA400207453.

ClinVar aggregate classification (germline): Pathogenic. Review status: criteria provided, multiple submitters, no conflicts (2 of 4 stars). 2 submissions from 2 submitters: Pathogenic (2). Last evaluated 2023-03-30.

Conditions:
Osteogenesis imperfecta type I (OI1). Also called: OI, TYPE I; OSTEOGENESIS IMPERFECTA TARDA; OSTEOGENESIS IMPERFECTA WITH BLUE SCLERAE; Osteogenesis imperfecta type 1; Lobstein disease; Lobstein's Disease. Identifiers: Orphanet 216796, Orphanet 666, MedGen C0023931, MONDO:0008146, OMIM 166200. Disease mechanism: loss of function.

Submissions (2):

GeneDx
Classification: Pathogenic. Last evaluated: 2023-03-30. Review status: criteria provided, single submitter. Criteria: GeneDx Variant Classification Process June 2021. Collection method: clinical testing. Allele origin: germline. Affected: yes.
Comment: Reported in association with mild osteogenesis imperfecta in the published literature (Swinnen et al., 2011; Trancozo et al., 2019); Not observed at significant frequency in large population cohorts (gnomAD); Canonical splice site variant affecting the triple helical domain and is predicted to remove canonical Gly-X-Y repeat unit. variant in this region is expected to disrupt normal protein folding and function, and this is an established mechanism of disease (HGMD); This variant is associated with the following publications: (PMID: 31429852, 22206639)

Labcorp Genetics (formerly Invitae), Labcorp
Classification: Pathogenic for Osteogenesis imperfecta type I. Last evaluated: 2022-07-19. Review status: criteria provided, single submitter. Criteria: Invitae Variant Classification Sherloc (09022015). Collection method: clinical testing. Allele origin: germline.
Comment: This variant is not present in population databases (gnomAD no frequency). For these reasons, this variant has been classified as Pathogenic. Algorithms developed to predict the effect of sequence changes on RNA splicing suggest that this variant may disrupt the consensus splice site. Disruption of this splice site has been observed in individual(s) with osteogenesis imperfecta (PMID: 22206639). This sequence change affects a donor splice site in intron 36 of the COL1A1 gene. It is expected to disrupt RNA splicing. Variants that disrupt the donor or acceptor splice site typically lead to a loss of protein function (PMID: 16199547), and loss-of-function variants in COL1A1 are known to be pathogenic (PMID: 7942841, 9295084, 9443882).

Literature cited by the submitters: PubMed 22206639 (cited by Labcorp Genetics (formerly Invitae), Labcorp); PubMed 16199547 (cited by Labcorp Genetics (formerly Invitae), Labcorp); PubMed 7942841 (cited by Labcorp Genetics (formerly Invitae), Labcorp); PubMed 9295084 (cited by Labcorp Genetics (formerly Invitae), Labcorp); PubMed 9443882 (cited by Labcorp Genetics (formerly Invitae), Labcorp).